The following is an entry in ClinVar:

NM_173651.4(FSIP2):c.1374A>G (p.Gly458=)

Gene: FSIP2 (fibrous sheath interacting protein 2; plus strand). Cytogenetic location: 2q32.1.
Variant type: single nucleotide variant.
Coding change: c.1374A>G on transcript NM_173651.4 (MANE Select); coding-DNA position 1374, A replaced by G.
Protein change: p.Gly458=; no amino-acid change (glycine 458 retained).
Molecular consequence: synonymous variant.
Genome position (GRCh38, 1-based): chr2:185,764,528, A>G. VCF-style: chr2-185764528-A-G. GRCh37 (hg19) VCF-style: chr2-186629255-A-G.
Identifiers: ClinVar variation 3039858 (VCV003039858.2), dbSNP rs559975691, ClinGen allele CA61763599.

ClinVar aggregate classification (germline): Likely benign (0 of 4 stars; one submission).

Conditions:
FSIP2-related disorder. Also called: FSIP2-related condition.

Allele frequency attached by ClinVar (database versions not stated): gnomAD exomes 0.00001; TOPMed 0.00014; gnomAD 0.00015; 1000 Genomes Project 30x 0.00016; 1000 Genomes Project 0.00020.
gnomAD v4.1: 39 of 1,531,532 alleles (0.0025%); highest among the groups gnomAD compares: African/African-American, 0.048%; no homozygotes.

Submission:

PreventionGenetics, part of Exact Sciences
Classification: Likely benign for FSIP2-related condition. Last evaluated: 2019-09-17. Review status: no assertion criteria provided. Collection method: clinical testing. Allele origin: germline.
Comment: This variant is classified as likely benign based on ACMG/AMP sequence variant interpretation guidelines (Richards et al. 2015 PMID: 25741868, with internal and published modifications).